The following is an entry in ClinVar:

ClinVar aggregate classification (germline): Pathogenic (1 of 4 stars; one submission).

Conditions:
Hyperphosphatasia with impaired intellectual development syndrome 2. Also called: Hyperphosphatasia with intellectual disability syndrome 2; GLYCOSYLPHOSPHATIDYLINOSITOL BIOSYNTHESIS DEFECT 6. Identifiers: Orphanet 247262, MedGen C3553637, MONDO:0013882, OMIM 614749.

Submission:

Labcorp Genetics (formerly Invitae), Labcorp
Classification: Pathogenic for Hyperphosphatasia with impaired intellectual development syndrome 2. Last evaluated: 2022-10-18. Review status: criteria provided, single submitter. Criteria: Invitae Variant Classification Sherloc (09022015). Collection method: clinical testing. Allele origin: germline.
Comment: For these reasons, this variant has been classified as Pathogenic. This variant has not been reported in the literature in individuals affected with PIGO-related conditions. This variant is not present in population databases (gnomAD no frequency). This sequence change creates a premature translational stop signal (p.Phe299Serfs*3) in the PIGO gene. It is expected to result in an absent or disrupted protein product. Loss-of-function variants in PIGO are known to be pathogenic (PMID: 22683086, 24417746).

Literature cited by the submitters: PubMed 22683086; PubMed 24417746.

NM_032634.4(PIGO):c.894_895del (p.Phe299fs)

Gene: PIGO (phosphatidylinositol glycan anchor biosynthesis class O; minus strand). Cytogenetic location: 9p13.3.
Variant type: Microsatellite.
Coding change: c.894_895del on transcript NM_032634.4 (MANE Select); coding-DNA positions 894 to 895, 2 bases deleted (CT; older notation c.894_895delCT).
Protein change: p.Phe299fs; shifts the reading frame from phenylalanine 299.
Molecular consequence: frameshift variant.
Genome position (GRCh38, 1-based): chr9:35,093,465-35,093,466, AG deleted on the plus strand (CT on the coding strand, the reverse complement: PIGO is on the minus strand); deleting any 2 consecutive bases within chr9:35,093,465-35,093,470 gives the same sequence; the c. name uses the placement nearest the transcript's 3' end. VCF-style (leftmost placement, unchanged base first): chr9-35093464-AAG-A. GRCh37 (hg19) VCF-style: chr9-35093461-AAG-A.
Other names: c.894_895del, p.Phe299fs (NM_001201484.2, NM_152850.4); short protein forms F299fs.
Identifiers: ClinVar variation 1903867 (VCV001903867.5), dbSNP rs2490463730, ClinGen allele CA2580616178.